The following is an entry in ClinVar:

NM_003716.4(CADPS):c.1146C>T (p.Gly382=)

Gene: CADPS (calcium dependent secretion activator; minus strand). Cytogenetic location: 3p14.2.
Variant type: single nucleotide variant.
Coding change: c.1146C>T on transcript NM_003716.4 (MANE Select); coding-DNA position 1146, C replaced by T.
Protein change: p.Gly382=; no amino-acid change (glycine 382 retained).
Molecular consequence: synonymous variant.
Genome position (GRCh38, 1-based): chr3:62,650,904, G>A on the plus strand (C>T on the coding strand, the complement: CADPS is on the minus strand). VCF-style: chr3-62650904-G-A. GRCh37 (hg19) VCF-style: chr3-62636579-G-A.
Other names: NC_000003.11:g.62636579G>A; c.1146C>T, p.Gly382= (NM_183393.3, NM_183394.3).
Identifiers: ClinVar variation 3053529 (VCV003053529.3), dbSNP rs74991517, ClinGen allele CA2477116.

ClinVar aggregate classification (germline): Benign (0 of 4 stars; one submission).

Conditions:
CADPS-related disorder. Also called: CADPS-related condition.

Allele frequency attached by ClinVar (database versions not stated): TOPMed 0.00107; ESP Exome Variant Server 0.00138; 1000 Genomes Project 30x 0.00156; 1000 Genomes Project 0.00160; ExAC 0.00335.
gnomAD v4.1: 4,107 of 1,613,976 alleles (0.25%); highest among the groups gnomAD compares: Non-Finnish European, 0.17%; 31 homozygotes.

Submissions (2):

PreventionGenetics, part of Exact Sciences
Classification: Benign for CADPS-related condition. Last evaluated: 2019-11-11. Review status: no assertion criteria provided. Collection method: clinical testing. Allele origin: germline.
Comment: This variant is classified as benign based on ACMG/AMP sequence variant interpretation guidelines (Richards et al. 2015 PMID: 25741868, with internal and published modifications).

Dr. Peter K. Rogan Lab, Western University
No classification provided (evidence only). Condition: Thymoma. Review status: no classification provided. Collection method: in vitro. Allele origin: not applicable. Functional consequence: retained intron. Not counted in ClinVar's aggregate classification.